The following is an entry in ClinVar:

ClinVar aggregate classification (germline): Uncertain significance. Review status: criteria provided, multiple submitters, no conflicts (2 of 4 stars). 2 submissions from 2 submitters: Uncertain significance (2). Last evaluated 2024-04-18.

Conditions:
PAFAH1B1-related disorder. Also called: PAFAH1B1-related condition.

Allele frequency attached by ClinVar (database versions not stated): gnomAD 0.00001; gnomAD exomes 0.00001; ExAC 0.00002; 1000 Genomes Project 30x 0.00016; 1000 Genomes Project 0.00020.
gnomAD v4.1: 13 of 1,611,854 alleles (0.00081%); highest among the groups gnomAD compares: African/African-American, 0.0013%; no homozygotes.

Submissions (2):

Labcorp Genetics (formerly Invitae), Labcorp
Classification: Uncertain significance. Last evaluated: 2024-04-18. Review status: criteria provided, single submitter. Criteria: Invitae Variant Classification Sherloc (09022015). Collection method: clinical testing. Allele origin: germline.
Comment: This sequence change replaces isoleucine, which is neutral and non-polar, with valine, which is neutral and non-polar, at codon 216 of the PAFAH1B1 protein (p.Ile216Val). This variant is present in population databases (rs555806037, gnomAD 0.007%). This variant has not been reported in the literature in individuals affected with PAFAH1B1-related conditions. ClinVar contains an entry for this variant (Variation ID: 1406323). An algorithm developed to predict the effect of missense changes on protein structure and function (PolyPhen-2) suggests that this variant is likely to be tolerated. In summary, the available evidence is currently insufficient to determine the role of this variant in disease. Therefore, it has been classified as a Variant of Uncertain Significance.

PreventionGenetics, part of Exact Sciences
Classification: Uncertain significance for PAFAH1B1-related condition. Last evaluated: 2023-08-03. Review status: criteria provided, single submitter. Criteria: ACMG Guidelines, 2015. Collection method: clinical testing. Allele origin: germline.
Comment: The PAFAH1B1 c.646A>G variant is predicted to result in the amino acid substitution p.Ile216Val. To our knowledge, this variant has not been reported in the literature. This variant is reported in 0.0062% of alleles in individuals of African descent in gnomAD. At this time, the clinical significance of this variant is uncertain due to the absence of conclusive functional and genetic evidence.

NM_000430.4(PAFAH1B1):c.646A>G (p.Ile216Val)

Gene: PAFAH1B1 (platelet activating factor acetylhydrolase 1b regulatory subunit 1; plus strand). Cytogenetic location: 17p13.3.
Variant type: single nucleotide variant.
Coding change: c.646A>G on transcript NM_000430.4 (MANE Select); coding-DNA position 646, A replaced by G.
Protein change: p.Ile216Val; replaces isoleucine 216 with valine.
Molecular consequence: missense variant.
Genome position (GRCh38, 1-based): chr17:2,672,732, A>G. VCF-style: chr17-2672732-A-G. GRCh37 (hg19) VCF-style: chr17-2576026-A-G.
Other names: c.646A>G (NM_000430.3); short protein forms I216V.
Identifiers: ClinVar variation 1406323 (VCV001406323.6), dbSNP rs555806037, ClinGen allele CA8283232.